The following is an entry in ClinVar:

ClinVar aggregate classification (germline): Likely benign (0 of 4 stars; one submission).

Conditions:
PI4KA-related disorder. Also called: PI4KA-related condition; PI4KA-related disorders. Identifiers: MedGen CN378147, MONDO:1040012.

Submission:

PreventionGenetics, part of Exact Sciences
Classification: Likely benign for PI4KA-related condition. Last evaluated: 2023-02-26. Review status: no assertion criteria provided. Collection method: clinical testing. Allele origin: germline.
Comment: This variant is classified as likely benign based on ACMG/AMP sequence variant interpretation guidelines (Richards et al. 2015 PMID: 25741868, with internal and published modifications).

NM_058004.4(PI4KA):c.274-3dup

Gene: PI4KA (phosphatidylinositol 4-kinase alpha; minus strand). Cytogenetic location: 22q11.21.
Variant type: Duplication.
Coding change: c.274-3dup on transcript NM_058004.4 (MANE Select); 3 bases into the intron before coding-DNA position 274, one base duplicated (T; older notation c.274-3dupT).
Molecular consequence: intron variant.
Genome position (GRCh38, 1-based): chr22:20,834,658, A duplicated on the plus strand (T on the coding strand, the reverse complement: PI4KA is on the minus strand); the first of 6 consecutive A bases (chr22:20,834,658-20,834,663); duplicating any one gives the same sequence. VCF-style (leftmost placement, unchanged base first): chr22-20834657-T-TA. GRCh37 (hg19) VCF-style: chr22-21188945-T-TA.
Other names: c.274-3dup (NM_001362863.2, NM_001362862.2).
Identifiers: ClinVar variation 3033019 (VCV003033019.2), dbSNP rs755429958, ClinGen allele CA10116865.